The following is an entry in ClinVar:

ClinVar aggregate classification (germline): Benign (1 of 4 stars; one submission).

gnomAD v4.1: 14,105 of 1,536,140 alleles (0.92%); highest among the groups gnomAD compares: Non-Finnish European, 1.1%; 81 homozygotes.

Submission:

CeGaT Center for Human Genetics Tuebingen
Classification: Benign. Last evaluated: 2026-09-01. Review status: criteria provided, single submitter. Criteria: CeGaT Center For Human Genetics Tuebingen Variant Classification Criteria Version 2. Collection method: clinical testing. Allele origin: germline. Affected: yes. Observed: 5 variant alleles.
Comment: NIT1: BP4, BS1, BS2

NM_005600.3(NIT1):c.3-284A>G

Gene: NIT1 (nitrilase 1; plus strand). Cytogenetic location: 1q23.3.
Variant type: single nucleotide variant.
Coding change: c.3-284A>G on transcript NM_005600.3 (MANE Select); 284 bases into the intron before coding-DNA position 3, A replaced by G.
Molecular consequence: intron variant. On other transcripts: missense variant (1).
Genome position (GRCh38, 1-based): chr1:161,118,502, A>G. VCF-style: chr1-161118502-A-G. GRCh37 (hg19) VCF-style: chr1-161088292-A-G.
Other names: c.4A>G, p.Thr2Ala (NM_001185093.2); c.3-284A>G (NM_001185092.2); c.-107+277A>G (NM_001185094.2); short protein forms T2A.
Identifiers: ClinVar variation 4681286 (VCV004681286.5).